The following is an entry in ClinVar:

NM_001943.5(DSG2):c.3052dup (p.Glu1018fs)

Genes: DSG2 (desmoglein 2; plus strand), DSG2-AS1 (DSG2 antisense RNA 1; minus strand). Cytogenetic location: 18q12.1.
Variant type: Duplication.
Coding change: c.3052dup on transcript NM_001943.5 (MANE Select); coding-DNA position 3052, one base duplicated (G; older notation c.3052dupG).
Protein change: p.Glu1018fs; shifts the reading frame from glutamic acid 1018.
Molecular consequence: frameshift variant.
Genome position (GRCh38, 1-based): chr18:31,546,438, G duplicated; the last of 3 consecutive G bases (chr18:31,546,436-31,546,438); duplicating any one gives the same sequence. VCF-style (leftmost placement, unchanged base first): chr18-31546435-A-AG. GRCh37 (hg19) VCF-style: chr18-29126398-A-AG.
Other names: c.3052dupG (NM_001943.3); short protein forms E1018fs.
Identifiers: ClinVar variation 1069061 (VCV001069061.12), dbSNP rs1261674855, ClinGen allele CA629453721.

ClinVar aggregate classification (germline): Conflicting classifications of pathogenicity. Review status: criteria provided, conflicting classifications (1 of 4 stars). 5 submissions from 5 submitters: Pathogenic (1); Likely pathogenic (3); Uncertain significance (1). Last evaluated 2025-02-04.

Conditions:
Cardiomyopathy (CMYO). Also called: Cardiomyopathies. Identifiers: Orphanet 167848, MedGen C0878544, MONDO:0004994, HP:0001638. Inheritance: Various modes of inheritance.
Arrhythmogenic right ventricular dysplasia 10. Also called: Arrhythmogenic Right Ventricular Dysplasia/Cardiomyopathy10; ARRHYTHMOGENIC RIGHT VENTRICULAR DYSPLASIA, FAMILIAL, 10; Arrhythmogenic right ventricular dysplasia/cardiomyopathy, type 10. Identifiers: MedGen C1857777, MONDO:0012434, OMIM 610193.
Cardiovascular phenotype. Identifiers: MedGen CN230736.

Submissions (5):

Greenwood Genetic Center Diagnostic Laboratories, Greenwood Genetic Center
Classification: Likely pathogenic for Arrhythmogenic right ventricular dysplasia 10. Last evaluated: 2025-02-04. Review status: criteria provided, single submitter. Criteria: ACMG Guidelines, 2015. Collection method: clinical testing. Allele origin: germline.
Comment: PVS1, PM2

Labcorp Genetics (formerly Invitae), Labcorp
Classification: Pathogenic for Arrhythmogenic right ventricular dysplasia 10. Last evaluated: 2024-10-18. Review status: criteria provided, single submitter. Criteria: Invitae Variant Classification Sherloc (09022015). Collection method: clinical testing. Allele origin: germline.
Comment: This sequence change creates a premature translational stop signal (p.Glu1018Glyfs*20) in the DSG2 gene. While this is not anticipated to result in nonsense mediated decay, it is expected to disrupt the last 101 amino acid(s) of the DSG2 protein. This variant is present in population databases (no rsID available, gnomAD 0.006%). This variant has not been reported in the literature in individuals affected with DSG2-related conditions. ClinVar contains an entry for this variant (Variation ID: 1069061). This variant disrupts a region of the DSG2 protein in which other variant(s) (p.Glu1020Alafs*18) have been determined to be pathogenic (PMID: 20864495, 21397041, 23381804). This suggests that this is a clinically significant region of the protein, and that variants that disrupt it are likely to be disease-causing. For these reasons, this variant has been classified as Pathogenic.

Ambry Genetics
Classification: Uncertain significance for Cardiovascular phenotype. Last evaluated: 2023-10-24. Review status: criteria provided, single submitter. Criteria: Ambry Variant Classification Scheme 2023. Collection method: clinical testing. Allele origin: germline.
Comment: The c.3052dupG variant, located in coding exon 15 of the DSG2 gene, results from a duplication of G at nucleotide position 3052, causing a translational frameshift with a predicted alternate stop codon (p.E1018Gfs*20). This alteration occurs at the 3' terminus of theDSG2 gene, is not expected to trigger nonsense-mediated mRNAdecay, and only impacts the last 9% of the protein. The exact functional effect of this alteration is unknown. Since supporting evidence is limited at this time, the clinical significance of this alteration remains unclear.

Baylor Genetics
Classification: Likely pathogenic for Arrhythmogenic right ventricular dysplasia 10. Last evaluated: 2022-10-20. Review status: criteria provided, single submitter. Criteria: ACMG Guidelines, 2015. Collection method: clinical testing. Allele origin: unknown.

Women's Health and Genetics/Laboratory Corporation of America, LabCorp
Classification: Likely pathogenic for Cardiomyopathy. Last evaluated: 2022-08-24. Review status: criteria provided, single submitter. Criteria: LabCorp Variant Classification Summary - May 2015. Collection method: clinical testing. Allele origin: germline.
Comment: Variant summary: DSG2 c.3052dupG (p.Glu1018GlyfsX20), located in the last exon (stop codon spans c.3355 to c.3357 at position 1119), results in a premature termination codon, predicted to cause a truncation of the encoded protein or absence of the protein due to nonsense mediated decay, which are commonly known mechanisms for disease. The variant allele was found at a frequency of 8e-06 in 249390 control chromosomes (gnomAD). To our knowledge, no occurrence of c.3052dupG in individuals affected with Cardiomyopathy and no experimental evidence demonstrating its impact on protein function have been reported. One clinical diagnostic laboratory has submitted a clinical-significance assessment for this variant to ClinVar after 2014 without evidence for independent evaluation and classified the variant as pathogenic. Based on the evidence outlined above, the variant was classified as likely pathogenic.

Literature cited by the submitters: PubMed 20864495 (cited by Labcorp Genetics (formerly Invitae), Labcorp); PubMed 21397041 (cited by Labcorp Genetics (formerly Invitae), Labcorp); PubMed 23381804 (cited by Labcorp Genetics (formerly Invitae), Labcorp).